The following is an entry in ClinVar:

ClinVar aggregate classification (germline): Uncertain significance (1 of 4 stars; one submission).

Conditions:
Warburg micro syndrome 2 (WARBM2). Also called: MICRO SYNDROME 2. Identifiers: Orphanet 2510, MedGen C3280214, MONDO:0013641, OMIM 614225.
Martsolf syndrome (MARTS). Also called: Congenital cataract with intellectual disability and hypogonadotropic hypogonadism syndrome. Identifiers: Orphanet 1387, MedGen C0796037, MONDO:0023910.

Allele frequency attached by ClinVar (database versions not stated): gnomAD exomes below 0.00001; TOPMed below 0.00001; gnomAD 0.00001.
gnomAD v4.1: 4 of 1,614,028 alleles (0.00025%); highest among the groups gnomAD compares: Admixed American, 0.0017%; no homozygotes.

Submission:

Labcorp Genetics (formerly Invitae), Labcorp
Classification: Uncertain significance for Martsolf syndrome; Warburg micro syndrome 2. Last evaluated: 2022-05-09. Review status: criteria provided, single submitter. Criteria: Invitae Variant Classification Sherloc (09022015). Collection method: clinical testing. Allele origin: germline.
Comment: In summary, the available evidence is currently insufficient to determine the role of this variant in disease. Therefore, it has been classified as a Variant of Uncertain Significance. Algorithms developed to predict the effect of missense changes on protein structure and function (SIFT, PolyPhen-2, Align-GVGD) all suggest that this variant is likely to be tolerated. This variant has not been reported in the literature in individuals affected with RAB3GAP2-related conditions. This variant is not present in population databases (gnomAD no frequency). This sequence change replaces glutamic acid, which is acidic and polar, with lysine, which is basic and polar, at codon 810 of the RAB3GAP2 protein (p.Glu810Lys).

NM_012414.4(RAB3GAP2):c.2428G>A (p.Glu810Lys)

Gene: RAB3GAP2 (RAB3 GTPase activating non-catalytic protein subunit 2; minus strand). Cytogenetic location: 1q41.
Variant type: single nucleotide variant.
Coding change: c.2428G>A on transcript NM_012414.4 (MANE Select); coding-DNA position 2428, G replaced by A.
Protein change: p.Glu810Lys; replaces glutamic acid 810 with lysine.
Molecular consequence: missense variant.
Genome position (GRCh38, 1-based): chr1:220,172,038, C>T on the plus strand (G>A on the coding strand, the complement: RAB3GAP2 is on the minus strand). VCF-style: chr1-220172038-C-T. GRCh37 (hg19) VCF-style: chr1-220345380-C-T.
Other names: short protein forms E810K.
Identifiers: ClinVar variation 1902803 (VCV001902803.5), dbSNP rs1177781566, ClinGen allele CA344639142.